The following is an entry in ClinVar:

ClinVar aggregate classification (germline): Uncertain significance (1 of 4 stars; one submission).

Submission:

Labcorp Genetics (formerly Invitae), Labcorp
Classification: Uncertain significance. Last evaluated: 2025-10-27. Review status: criteria provided, single submitter. Criteria: Invitae Variant Classification Sherloc (09022015). Collection method: clinical testing. Allele origin: germline.
Comment: This sequence change replaces arginine, which is basic and polar, with leucine, which is neutral and non-polar, at codon 89 of the RPL9 protein (p.Arg89Leu). This variant is not present in population databases (gnomAD no frequency). This variant has not been reported in the literature in individuals affected with RPL9-related conditions. An algorithm developed to predict the effect of missense changes on protein structure and function (PolyPhen-2) suggests that this variant is likely to be tolerated. In summary, the available evidence is currently insufficient to determine the role of this variant in disease. Therefore, it has been classified as a Variant of Uncertain Significance.

NM_000661.5(RPL9):c.266G>T (p.Arg89Leu)

Gene: RPL9 (ribosomal protein L9; minus strand). Cytogenetic location: 4p14.
Variant type: single nucleotide variant.
Coding change: c.266G>T on transcript NM_000661.5 (MANE Select); coding-DNA position 266, G replaced by T.
Protein change: p.Arg89Leu; replaces arginine 89 with leucine.
Molecular consequence: missense variant.
Genome position (GRCh38, 1-based): chr4:39,456,531, C>A on the plus strand (G>T on the coding strand, the complement: RPL9 is on the minus strand). VCF-style: chr4-39456531-C-A. GRCh37 (hg19) VCF-style: chr4-39458151-C-A.
Other names: c.266G>T, p.Arg89Leu (NM_001024921.4); short protein forms R89L.
Identifiers: ClinVar variation 4730054 (VCV004730054.1).